The following is an entry in ClinVar:

ClinVar aggregate classification (germline): Uncertain significance (1 of 4 stars; one submission).

Conditions:
Autism spectrum disorder due to AUTS2 deficiency (MRD26). Also called: INTELLECTUAL DEVELOPMENTAL DISORDER, AUTOSOMAL DOMINANT 26. Identifiers: Orphanet 352490, MedGen C4014435, MONDO:0014361, OMIM 615834.

gnomAD v4.1: 6 of 1,613,678 alleles (0.00037%); highest among the groups gnomAD compares: Non-Finnish European, 0.00051%; no homozygotes.

Submission:

OLLIN Analises Genomicas, OLLIN
Classification: Uncertain significance for Autism spectrum disorder due to AUTS2 deficiency. Last evaluated: 2026-08-06. Review status: criteria provided, single submitter. Criteria: ACMG Guidelines 2015 PMID 25741868. Collection method: clinical testing. Allele origin: germline. Inheritance: Autosomal dominant inheritance.
Comment: This missense variant, located in exon 19 (of 19), has been observed in gnomAD with an allele frequency of 0.000062%, but has not been reported in ClinVar or identified in the literature. In silico analysis predicts that this variant has a tolerated effect. According to the currently available evidence, this variant has been classified as uncertain significance (PM2_P, BP4_M).

NM_015570.4(AUTS2):c.3490C>T (p.His1164Tyr)

Gene: AUTS2 (activator of transcription and developmental regulator AUTS2; plus strand). Cytogenetic location: 7q11.22.
Variant type: single nucleotide variant.
Coding change: c.3490C>T on transcript NM_015570.4 (MANE Select); coding-DNA position 3490, C replaced by T.
Protein change: p.His1164Tyr; replaces histidine 1164 with tyrosine.
Molecular consequence: missense variant.
Genome position (GRCh38, 1-based): chr7:70,790,706, C>T. VCF-style: chr7-70790706-C-T. GRCh37 (hg19) VCF-style: chr7-70255692-C-T.
Other names: c.3418C>T, p.His1140Tyr (NM_001127231.3); short protein forms H1164Y, H1140Y.
Identifiers: ClinVar variation 5003107 (VCV005003107.1).